The following is an entry in ClinVar:

ClinVar aggregate classification (germline): Uncertain significance. Review status: criteria provided, multiple submitters, no conflicts (2 of 4 stars). 3 submissions from 3 submitters: Uncertain significance (3). Last evaluated 2025-09-12.

Conditions:
Tuberous sclerosis 2 (TSC2). Identifiers: Orphanet 805, MedGen C1860707, MONDO:0013199, OMIM 613254.
Hereditary cancer-predisposing syndrome. Also called: Neoplastic Syndromes, Hereditary; Tumor predisposition; Hereditary neoplastic syndrome; Hereditary Cancer Syndrome. Identifiers: Orphanet 140162, MedGen C0027672, MeSH D009386, MONDO:0015356.
Tuberous sclerosis syndrome (TSC). Also called: Tuberous sclerosis; Tuberous Sclerosis Complex. Identifiers: Orphanet 805, MedGen C0041341, MONDO:0001734.

Allele frequency attached by ClinVar (database versions not stated): gnomAD exomes below 0.00001.
gnomAD v4.1: 1 of 1,613,752 alleles (0.000062%); highest among the groups gnomAD compares: Non-Finnish European, 0.000085%; no homozygotes.

Submissions (3):

Labcorp Genetics (formerly Invitae), Labcorp
Classification: Uncertain significance for Tuberous sclerosis 2. Last evaluated: 2025-09-12. Review status: criteria provided, single submitter. Criteria: Invitae Variant Classification Sherloc (09022015). Collection method: clinical testing. Allele origin: germline.
Comment: This sequence change replaces proline, which is neutral and non-polar, with arginine, which is basic and polar, at codon 910 of the TSC2 protein (p.Pro910Arg). This variant is not present in population databases (gnomAD no frequency). This variant has not been reported in the literature in individuals affected with TSC2-related conditions. ClinVar contains an entry for this variant (Variation ID: 1795258). Invitae Evidence Modeling of protein sequence and biophysical properties (such as structural, functional, and spatial information, amino acid conservation, physicochemical variation, residue mobility, and thermodynamic stability) indicates that this missense variant is not expected to disrupt TSC2 protein function with a negative predictive value of 95%. RNA analysis performed to evaluate the impact of this missense change on mRNA splicing indicates it does not significantly alter splicing (internal data). In summary, the available evidence is currently insufficient to determine the role of this variant in disease. Therefore, it has been classified as a Variant of Uncertain Significance.

Color Diagnostics, LLC DBA Color Health
Classification: Uncertain significance for Tuberous sclerosis syndrome. Last evaluated: 2025-06-09. Review status: criteria provided, single submitter. Criteria: ACMG Guidelines, 2015. Collection method: clinical testing. Allele origin: germline.
Comment: This missense variant replaces proline with arginine at codon 910 of the TSC2 protein. Computational prediction is inconclusive regarding the impact of this variant on protein structure and function. To our knowledge, functional studies have not been reported for this variant. This variant has not been reported in individuals affected with TSC2-related disorders in the literature. This variant has not been identified in the general population by the Genome Aggregation Database (gnomAD). The available evidence is insufficient to determine the role of this variant in disease conclusively. Therefore, this variant is classified as a Variant of Uncertain Significance.

Ambry Genetics
Classification: Uncertain significance for Hereditary cancer-predisposing syndrome. Last evaluated: 2025-02-07. Review status: criteria provided, single submitter. Criteria: Ambry Variant Classification Scheme 2023. Collection method: clinical testing. Allele origin: germline.
Comment: The p.P910R variant (also known as c.2729C>G), located in coding exon 23 of the TSC2 gene, results from a C to G substitution at nucleotide position 2729. The proline at codon 910 is replaced by arginine, an amino acid with dissimilar properties. This amino acid position is not well conserved in available vertebrate species. In addition, this alteration is predicted to be deleterious by in silico analysis. Based on the available evidence, the clinical significance of this variant remains unclear.

NM_000548.5(TSC2):c.2729C>G (p.Pro910Arg)

Gene: TSC2 (TSC complex subunit 2; plus strand). Cytogenetic location: 16p13.3.
Variant type: single nucleotide variant.
Coding change: c.2729C>G on transcript NM_000548.5 (MANE Select); coding-DNA position 2729, C replaced by G.
Protein change: p.Pro910Arg; replaces proline 910 with arginine.
Molecular consequence: missense variant.
Genome position (GRCh38, 1-based): chr16:2,076,157, C>G. VCF-style: chr16-2076157-C-G. GRCh37 (hg19) VCF-style: chr16-2126158-C-G.
Other names: c.2762C>G, p.Pro921Arg (NM_001318832.2); c.2729C>G, p.Pro910Arg (NM_001363528.2, NM_001370404.1, NM_001370405.1 and 6 more transcripts); c.2819C>G, p.Pro940Arg (NM_001406667.1, NM_001406668.1); c.2618C>G, p.Pro873Arg (NM_001406670.1, NM_001406678.1, NM_001318827.2); c.2717C>G, p.Pro906Arg (NM_001406671.1, NM_001406673.1); c.2582C>G, p.Pro861Arg (NM_001406675.1, NM_001406676.1, NM_001406679.1 and 1 more transcripts); c.2672C>G, p.Pro891Arg (NM_001406677.1); c.2129C>G, p.Pro710Arg (NM_001406680.1, NM_001318831.2, NM_001406682.1 and 6 more transcripts); and 3 more; short protein forms P376R, P906R, P861R, P462R, P756R, P873R, P710R, P891R.
Identifiers: ClinVar variation 1795258 (VCV001795258.9), dbSNP rs2089329428, ClinGen allele CA394279570.